The following is an entry in ClinVar:

ClinVar aggregate classification (germline): Uncertain significance. Review status: criteria provided, multiple submitters, no conflicts (2 of 4 stars). 5 submissions from 5 submitters: Uncertain significance (4). 1 of the submissions does not count toward it. Last evaluated 2025-10-01.

Conditions:
Usher syndrome type 1C. Also called: USHER SYNDROME, TYPE I, ACADIAN VARIETY. Identifiers: Orphanet 231169, Orphanet 886, MedGen C1848604, MONDO:0010171, OMIM 276904.
Inborn genetic diseases. Identifiers: MedGen C0950123, MeSH D030342.

Allele frequency attached by ClinVar (database versions not stated): TOPMed below 0.00001; gnomAD exomes 0.00001; ExAC 0.00004.
gnomAD v4.1: 19 of 1,611,194 alleles (0.0012%); highest among the groups gnomAD compares: East Asian, 0.0022%; no homozygotes.

Submissions (5):

CeGaT Center for Human Genetics Tuebingen
Classification: Uncertain significance. Last evaluated: 2025-10-01. Review status: criteria provided, single submitter. Criteria: CeGaT Center For Human Genetics Tuebingen Variant Classification Criteria Version 2. Collection method: clinical testing. Allele origin: germline. Affected: yes. Observed: 1 variant allele.
Comment: USH1C: PM2, BP4

Labcorp Genetics (formerly Invitae), Labcorp
Classification: Uncertain significance. Last evaluated: 2025-09-11. Review status: criteria provided, single submitter. Criteria: Invitae Variant Classification Sherloc (09022015). Collection method: clinical testing. Allele origin: germline.
Comment: This sequence change replaces arginine, which is basic and polar, with glutamine, which is neutral and polar, at codon 308 of the USH1C protein (p.Arg308Gln). This variant is present in population databases (rs763948115, gnomAD 0.006%). This variant has not been reported in the literature in individuals affected with USH1C-related conditions. ClinVar contains an entry for this variant (Variation ID: 879132). An algorithm developed to predict the effect of missense changes on protein structure and function (PolyPhen-2) suggests that this variant is likely to be tolerated. In summary, the available evidence is currently insufficient to determine the role of this variant in disease. Therefore, it has been classified as a Variant of Uncertain Significance.

Ambry Genetics
Classification: Uncertain significance for Inborn genetic diseases. Last evaluated: 2025-04-29. Review status: criteria provided, single submitter. Criteria: Ambry Variant Classification Scheme 2023. Collection method: clinical testing. Allele origin: germline.

Illumina Laboratory Services, Illumina
Classification: Uncertain significance for Usher syndrome type 1C. Last evaluated: 2018-01-13. Review status: criteria provided, single submitter. Criteria: ICSL Variant Classification Criteria 13 December 2019. Collection method: clinical testing. Allele origin: germline.

Natera, Inc.
Classification: Uncertain significance for Usher syndrome type 1C. Last evaluated: 2020-05-10. Review status: no assertion criteria provided. Collection method: clinical testing. Allele origin: germline. Not counted in ClinVar's aggregate classification.

NM_153676.4(USH1C):c.923G>A (p.Arg308Gln)

Gene: USH1C (USH1 protein network component harmonin; minus strand). Cytogenetic location: 11p15.1.
Variant type: single nucleotide variant.
Coding change: c.923G>A on transcript NM_153676.4 (MANE Select); coding-DNA position 923, G replaced by A.
Protein change: p.Arg308Gln; replaces arginine 308 with glutamine.
Molecular consequence: missense variant. On other transcripts: non-coding transcript variant (1).
Genome position (GRCh38, 1-based): chr11:17,522,880, C>T on the plus strand (G>A on the coding strand, the complement: USH1C is on the minus strand). VCF-style: chr11-17522880-C-T. GRCh37 (hg19) VCF-style: chr11-17544427-C-T.
Other names: c.866G>A, p.Arg289Gln (NM_001297764.2); c.923G>A, p.Arg308Gln (NM_005709.4); short protein forms R289Q, R308Q.
Identifiers: ClinVar variation 879132 (VCV000879132.18), dbSNP rs763948115, ClinGen allele CA5904788.